The following is an entry in ClinVar:

NM_002299.4(LCT):c.2863A>T (p.Ser955Cys)

Gene: LCT (lactase; minus strand). Cytogenetic location: 2q21.3.
Variant type: single nucleotide variant.
Coding change: c.2863A>T on transcript NM_002299.4 (MANE Select); coding-DNA position 2863, A replaced by T.
Protein change: p.Ser955Cys; replaces serine 955 with cysteine.
Molecular consequence: missense variant.
Genome position (GRCh38, 1-based): chr2:135,809,484, T>A on the plus strand (A>T on the coding strand, the complement: LCT is on the minus strand). VCF-style: chr2-135809484-T-A. GRCh37 (hg19) VCF-style: chr2-136567054-T-A.
Other names: short protein forms S955C.
Identifiers: ClinVar variation 2111914 (VCV002111914.4), dbSNP rs2467218837, ClinGen allele CA348601604.

ClinVar aggregate classification (germline): Uncertain significance (1 of 4 stars; one submission).

Submission:

Labcorp Genetics (formerly Invitae), Labcorp
Classification: Uncertain significance. Last evaluated: 2022-05-27. Review status: criteria provided, single submitter. Criteria: Invitae Variant Classification Sherloc (09022015). Collection method: clinical testing. Allele origin: germline.
Comment: In summary, the available evidence is currently insufficient to determine the role of this variant in disease. Therefore, it has been classified as a Variant of Uncertain Significance. Algorithms developed to predict the effect of missense changes on protein structure and function are either unavailable or do not agree on the potential impact of this missense change (SIFT: "Not Available"; PolyPhen-2: "Probably Damaging"; Align-GVGD: "Not Available"). This variant has not been reported in the literature in individuals affected with LCT-related conditions. This variant is not present in population databases (gnomAD no frequency). This sequence change replaces serine, which is neutral and polar, with cysteine, which is neutral and slightly polar, at codon 955 of the LCT protein (p.Ser955Cys).